The following is an entry in ClinVar:

ClinVar aggregate classification (germline): Likely pathogenic (1 of 4 stars; one submission).

Conditions:
PEPD-related disorder. Also called: PEPD-related condition.

Submission:

PreventionGenetics, part of Exact Sciences
Classification: Likely pathogenic for PEPD-related condition. Last evaluated: 2025-12-15. Review status: criteria provided, single submitter. Criteria: ACMG Guidelines, 2015. Collection method: clinical testing. Allele origin: germline.
Comment: The PEPD c.1051delG variant is predicted to result in a frameshift and premature protein termination (p.Val351Trpfs*107). To our knowledge, this variant has not been reported in the literature or in a large population database (gnomAD), indicating this variant is rare. Frameshift variants in PEPD are expected to be pathogenic. This variant is interpreted as likely pathogenic.

NM_000285.4(PEPD):c.1051del (p.Val351fs)

Gene: PEPD (peptidase D; minus strand). Cytogenetic location: 19q13.11.
Variant type: Deletion.
Coding change: c.1051del on transcript NM_000285.4 (MANE Select); coding-DNA position 1051, one base deleted (G; older notation c.1051delG).
Protein change: p.Val351fs; shifts the reading frame from valine 351.
Molecular consequence: frameshift variant.
Genome position (GRCh38, 1-based): chr19:33,391,396, C deleted on the plus strand (G on the coding strand, the reverse complement: PEPD is on the minus strand). VCF-style (leftmost placement, unchanged base first): chr19-33391395-AC-A. GRCh37 (hg19) VCF-style: chr19-33882301-AC-A.
Other names: c.928del, p.Val310fs (NM_001166056.2); c.859del, p.Val287fs (NM_001166057.2); short protein forms V351fs, V310fs, V287fs.
Identifiers: ClinVar variation 4996584 (VCV004996584.1).